The following is an entry in ClinVar:

ClinVar aggregate classification (germline): Uncertain significance. Review status: criteria provided, multiple submitters, no conflicts (2 of 4 stars). 2 submissions from 2 submitters: Uncertain significance (2). Last evaluated 2025-07-23.

Conditions:
Inborn genetic diseases. Identifiers: MedGen C0950123, MeSH D030342.

Allele frequency attached by ClinVar (database versions not stated): gnomAD exomes below 0.00001.
gnomAD v4.1: 4 of 1,512,392 alleles (0.00026%); highest among the groups gnomAD compares: Non-Finnish European, 0.00035%; no homozygotes.

Submissions (2):

GeneDx
Classification: Uncertain significance. Last evaluated: 2025-07-23. Review status: criteria provided, single submitter. Criteria: GeneDx Variant Classification Process June 2021. Collection method: clinical testing. Allele origin: germline. Affected: yes.
Comment: Not observed at significant frequency in large population cohorts (gnomAD); In silico analysis supports that this missense variant has a deleterious effect on protein structure/function; Has not been previously published as pathogenic or benign to our knowledge

Ambry Genetics
Classification: Uncertain significance for Inborn genetic diseases. Last evaluated: 2025-07-12. Review status: criteria provided, single submitter. Criteria: Ambry Variant Classification Scheme 2023. Collection method: clinical testing. Allele origin: germline.

NM_005585.5(SMAD6):c.782G>A (p.Cys261Tyr)

Gene: SMAD6 (SMAD family member 6; plus strand). Cytogenetic location: 15q22.31.
Variant type: single nucleotide variant.
Coding change: c.782G>A on transcript NM_005585.5 (MANE Select); coding-DNA position 782, G replaced by A.
Protein change: p.Cys261Tyr; replaces cysteine 261 with tyrosine.
Molecular consequence: missense variant. On other transcripts: non-coding transcript variant (1).
Genome position (GRCh38, 1-based): chr15:66,704,040, G>A. VCF-style: chr15-66704040-G-A. GRCh37 (hg19) VCF-style: chr15-66996378-G-A.
Other names: short protein forms C261Y.
Identifiers: ClinVar variation 2574829 (VCV002574829.3), dbSNP rs1893051231, ClinGen allele CA392950235.
Genomic context (GRCh38, chr15:66,704,040, plus strand): 5'-TGAAGCCCCTGTGCGGCTGCCACAGCTTCGCCGCCGCCGCCGACGGCCCTACCGTGTGCT[G>A]CAACCCCTACCACTTCAGCCGGCTCTGCGGGCCCGGTGAGCGCGCTGCGCCGGCCGGGGG-3'
Protein context (NP_005576.3, residues 251-271): AAAADGPTVC[Cys261Tyr]NPYHFSRLCG